The following is an entry in ClinVar:

NM_134261.3(RORA):c.179C>G (p.Thr60Arg)

Gene: RORA (RAR related orphan receptor A; minus strand). Cytogenetic location: 15q22.2.
Variant type: single nucleotide variant.
Coding change: c.179C>G on transcript NM_134261.3 (MANE Select); coding-DNA position 179, C replaced by G.
Protein change: p.Thr60Arg; replaces threonine 60 with arginine.
Molecular consequence: missense variant.
Genome position (GRCh38, 1-based): chr15:60,678,674, G>C on the plus strand (C>G on the coding strand, the complement: RORA is on the minus strand). VCF-style: chr15-60678674-G-C. GRCh37 (hg19) VCF-style: chr15-60970873-G-C.
Other names: short protein forms T60R.
Identifiers: ClinVar variation 4986938 (VCV004986938.1).

ClinVar aggregate classification (germline): Uncertain significance (1 of 4 stars; one submission).

Conditions:
RORA-related disorder. Also called: RORA-related condition.

Submission:

PreventionGenetics, part of Exact Sciences
Classification: Uncertain significance for RORA-related condition. Last evaluated: 2024-11-23. Review status: criteria provided, single submitter. Criteria: ACMG Guidelines, 2015. Collection method: clinical testing. Allele origin: germline.
Comment: The RORA c.179C>G variant is predicted to result in the amino acid substitution p.Thr60Arg. To our knowledge, this variant has not been reported in the literature or in a large population database, indicating this variant is rare. At this time, the clinical significance of this variant is uncertain due to the absence of conclusive functional and genetic evidence.